The following is an entry in ClinVar:

ClinVar aggregate classification (germline): Uncertain significance. Review status: criteria provided, multiple submitters, no conflicts (2 of 4 stars). 3 submissions from 3 submitters: Uncertain significance (2). 1 of the submissions does not count toward it. Last evaluated 2025-12-03.

Conditions:
APC-related disorder. Also called: APC-related condition.
Hereditary cancer-predisposing syndrome. Also called: Neoplastic Syndromes, Hereditary; Tumor predisposition; Hereditary Cancer Syndrome; Hereditary neoplastic syndrome. Identifiers: Orphanet 140162, MedGen C0027672, MeSH D009386, MONDO:0015356.
Familial adenomatous polyposis 1 (FAP1). Also called: FAMILIAL ADENOMATOUS POLYPOSIS 1, ATTENUATED; POLYPOSIS, ADENOMATOUS INTESTINAL. Identifiers: MedGen C2713442, MONDO:0021056, OMIM 175100. Disease mechanism: loss of function.

Submissions (3):

Labcorp Genetics (formerly Invitae), Labcorp
Classification: Uncertain significance for Familial adenomatous polyposis 1. Last evaluated: 2025-12-03. Review status: criteria provided, single submitter. Criteria: Invitae Variant Classification Sherloc (09022015). Collection method: clinical testing. Allele origin: germline.
Comment: This variant, c.8119_8120delinsTCGTT, is a complex sequence change that results in the deletion of 1 and insertion of 2 amino acid(s) in the APC protein (p.Gly2707delinsSerPhe). This variant is not present in population databases (gnomAD no frequency). This variant has not been reported in the literature in individuals affected with APC-related conditions. Experimental studies and prediction algorithms are not available or were not evaluated, and the functional significance of this variant is currently unknown. In summary, the available evidence is currently insufficient to determine the role of this variant in disease. Therefore, it has been classified as a Variant of Uncertain Significance.

Ambry Genetics
Classification: Uncertain significance for Hereditary cancer-predisposing syndrome. Last evaluated: 2023-01-17. Review status: criteria provided, single submitter. Criteria: Ambry Variant Classification Scheme 2023. Collection method: clinical testing. Allele origin: germline.
Comment: The c.8119_8120delGGinsTCGTT variant (also known as p.G2707delinsSF), located in coding exon 15 of the APC gene, results from an in-frame deletion of GG and insertion of TCGTT at nucleotide positions 8119 to 8120. This results in the substitution of the glycine residue for serine and phenylalanine residues at codon 2707. This amino acid position is well conserved in available vertebrate species. In addition, this alteration is predicted to be neutral by in silico analysis (Choi Y et al. PLoS ONE. 2012; 7(10):e46688). Since supporting evidence is limited at this time, the clinical significance of this alteration remains unclear.

PreventionGenetics, part of Exact Sciences
Classification: Uncertain significance for APC-related condition. Last evaluated: 2024-03-04. Review status: no assertion criteria provided. Collection method: clinical testing. Allele origin: germline. Not counted in ClinVar's aggregate classification.
Comment: The APC c.8119_8120delinsTCGTT variant is predicted to result in an in-frame deletion and insertion. To our knowledge, this variant has not been reported in the literature or in gnomAD, indicating this variant is rare. In ClinVar, this variant is interpreted as uncertain significance. At this time, the clinical significance of this variant is uncertain due to the absence of conclusive functional and genetic evidence.

NM_000038.6(APC):c.8119_8120delinsTCGTT (p.Gly2707delinsSerPhe)

Gene: APC (APC regulator of Wnt signaling pathway; plus strand). Cytogenetic location: 5q22.2.
Variant type: Indel.
Coding change: c.8119_8120delinsTCGTT on transcript NM_000038.6 (MANE Select); coding-DNA positions 8119 to 8120, GG replaced by TCGTT.
Protein change: p.Gly2707delinsSerPhe.
Molecular consequence: inframe indel.
Genome position (GRCh38, 1-based): chr5:112,843,713-112,843,714, GG replaced by TCGTT. VCF-style: chr5-112843713-GG-TCGTT. GRCh37 (hg19) VCF-style: chr5-112179410-GG-TCGTT.
Other names: c.8119_8120delinsTCGTT, p.Gly2707delinsSerPhe (NM_001127510.3, NM_001354895.2); c.8065_8066delinsTCGTT, p.Gly2689delinsSerPhe (NM_001127511.3); c.8173_8174delinsTCGTT, p.Gly2725delinsSerPhe (NM_001354896.2); c.8149_8150delinsTCGTT, p.Gly2717delinsSerPhe (NM_001354897.2); c.8044_8045delinsTCGTT, p.Gly2682delinsSerPhe (NM_001354898.2); c.8035_8036delinsTCGTT, p.Gly2679delinsSerPhe (NM_001354899.2); c.7996_7997delinsTCGTT, p.Gly2666delinsSerPhe (NM_001354900.2); c.7942_7943delinsTCGTT, p.Gly2648delinsSerPhe (NM_001354901.2); and 7 more.
Identifiers: ClinVar variation 482507 (VCV000482507.13), dbSNP rs1554088907, ClinGen allele CA658657466.